The following is an entry in ClinVar:

ClinVar aggregate classification (germline): Conflicting classifications of pathogenicity. Review status: criteria provided, conflicting classifications (1 of 4 stars). 2 submissions from 2 submitters: Uncertain significance (1); Likely benign (1). Last evaluated 2024-09-04.

Conditions:
Long QT syndrome (LQTS). Identifiers: MedGen C0023976, MeSH D008133, MONDO:0002442. Disease mechanism: loss of function. Inheritance: Various modes of inheritance.
Cardiovascular phenotype. Identifiers: MedGen CN230736.

gnomAD v4.1: 1 of 1,614,142 alleles (0.000062%); highest among the groups gnomAD compares: South Asian, 0.0011%; no homozygotes.

Submissions (2):

Ambry Genetics
Classification: Likely benign for Cardiovascular phenotype. Last evaluated: 2024-09-04. Review status: criteria provided, single submitter. Criteria: Ambry Variant Classification Scheme 2023. Collection method: clinical testing. Allele origin: germline.

Labcorp Genetics (formerly Invitae), Labcorp
Classification: Uncertain significance for Long QT syndrome. Last evaluated: 2021-09-15. Review status: criteria provided, single submitter. Criteria: Invitae Variant Classification Sherloc (09022015). Collection method: clinical testing. Allele origin: germline.
Comment: This sequence change replaces histidine with glutamine at codon 1337 of the ANK2 protein (p.His1337Gln). The histidine residue is moderately conserved and there is a small physicochemical difference between histidine and glutamine. In summary, the available evidence is currently insufficient to determine the role of this variant in disease. Therefore, it has been classified as a Variant of Uncertain Significance. Algorithms developed to predict the effect of missense changes on protein structure and function output the following: SIFT: "Tolerated"; PolyPhen-2: "Benign"; Align-GVGD: "Class C0". The glutamine amino acid residue is found in multiple mammalian species, which suggests that this missense change does not adversely affect protein function. This variant has not been reported in the literature in individuals affected with ANK2-related conditions. This variant is not present in population databases (ExAC no frequency).

NM_001148.6(ANK2):c.4011T>A (p.His1337Gln)

Gene: ANK2 (ankyrin 2; plus strand). Cytogenetic location: 4q26.
Variant type: single nucleotide variant.
Coding change: c.4011T>A on transcript NM_001148.6 (MANE Select); coding-DNA position 4011, T replaced by A.
Protein change: p.His1337Gln; replaces histidine 1337 with glutamine.
Molecular consequence: missense variant.
Genome position (GRCh38, 1-based): chr4:113,341,805, T>A. VCF-style: chr4-113341805-T-A. GRCh37 (hg19) VCF-style: chr4-114262961-T-A.
Other names: c.3984T>A, p.His1328Gln (NM_001127493.3); c.4023T>A, p.His1341Gln (NM_001354225.2); c.3912T>A, p.His1304Gln (NM_001354228.2, NM_001354258.2); c.3990T>A, p.His1330Gln (NM_001354230.2); c.4053T>A, p.His1351Gln (NM_001354231.2, NM_001354242.2); c.4047T>A, p.His1349Gln (NM_001354232.2); c.4008T>A, p.His1336Gln (NM_001354235.2, NM_001354246.2, NM_001354265.2); c.3909T>A, p.His1303Gln (NM_001354236.2); and 32 more; short protein forms H1176Q, H1242Q, H1266Q, H1285Q, H1294Q, H1320Q, H1327Q, H1330Q.
Identifiers: ClinVar variation 1518890 (VCV001518890.7), dbSNP rs1386325913, ClinGen allele CA357909668.
Genomic context (GRCh38, chr4:113,341,805, plus strand): 5'-ATACAGAGAAATTATCTGCGTACCTTATATGGCCAAATTTGTAGTGTTTGCCAAATCACA[T>A]GACCCCATTGAAGCCAGGTTGAGGTGTTTCTGCATGACTGATGATAAAGTGGATAAGACC-3'
Protein context (NP_001139.3, residues 1327-1347): MAKFVVFAKS[His1337Gln]DPIEARLRCF